The following is an entry in ClinVar:

NM_015158.5(KANK1):c.211G>A (p.Val71Met)

Gene: KANK1 (KN motif and ankyrin repeat domains 1; plus strand). Cytogenetic location: 9p24.3.
Variant type: single nucleotide variant.
Coding change: c.211G>A on transcript NM_015158.5 (MANE Select); coding-DNA position 211, G replaced by A.
Protein change: p.Val71Met; replaces valine 71 with methionine.
Molecular consequence: missense variant. On other transcripts: 5 prime UTR variant (12), non-coding transcript variant (1).
Genome position (GRCh38, 1-based): chr9:710,977, G>A. VCF-style: chr9-710977-G-A. GRCh37 (hg19) VCF-style: chr9-710977-G-A.
Other names: c.-264G>A (NM_001354337.2, NM_001354338.2, NM_001354339.2 and 9 more transcripts); c.211G>A, p.Val71Met (NM_001256876.3, NM_001256877.3, NM_001354331.2 and 2 more transcripts); c.211G>A (NM_015158.2); short protein forms V71M.
Identifiers: ClinVar variation 2717575 (VCV002717575.4), dbSNP rs776996143, ClinGen allele CA4959883.

ClinVar aggregate classification (germline): Uncertain significance. Review status: criteria provided, multiple submitters, no conflicts (2 of 4 stars). 2 submissions from 2 submitters: Uncertain significance (2). Last evaluated 2023-11-03.

Allele frequency attached by ClinVar (database versions not stated): ExAC 0.00005; gnomAD 0.00010; TOPMed 0.00014.
gnomAD v4.1: 46 of 1,614,024 alleles (0.0029%); highest among the groups gnomAD compares: Admixed American, 0.022%; no homozygotes.

Submissions (2):

Ambry Genetics
Classification: Uncertain significance. Last evaluated: 2023-11-03. Review status: criteria provided, single submitter. Criteria: Ambry Variant Classification Scheme 2023. Collection method: clinical testing. Allele origin: germline.

Labcorp Genetics (formerly Invitae), Labcorp
Classification: Uncertain significance. Last evaluated: 2022-11-28. Review status: criteria provided, single submitter. Criteria: Invitae Variant Classification Sherloc (09022015). Collection method: clinical testing. Allele origin: germline.
Comment: This variant is present in population databases (rs776996143, gnomAD 0.02%). This variant has not been reported in the literature in individuals affected with KANK1-related conditions. Algorithms developed to predict the effect of missense changes on protein structure and function (SIFT, PolyPhen-2, Align-GVGD) all suggest that this variant is likely to be tolerated. In summary, the available evidence is currently insufficient to determine the role of this variant in disease. Therefore, it has been classified as a Variant of Uncertain Significance. This sequence change replaces valine, which is neutral and non-polar, with methionine, which is neutral and non-polar, at codon 71 of the KANK1 protein (p.Val71Met).